The following is an entry in ClinVar:

ClinVar aggregate classification (germline): Uncertain significance (1 of 4 stars; one submission).

Conditions:
Spastic paraplegia. Identifiers: MedGen C0037772, HP:0001258.

Submission:

Labcorp Genetics (formerly Invitae), Labcorp
Classification: Uncertain significance for Spastic paraplegia. Last evaluated: 2023-03-16. Review status: criteria provided, single submitter. Criteria: Invitae Variant Classification Sherloc (09022015). Collection method: clinical testing. Allele origin: germline.
Comment: ClinVar contains an entry for this variant (Variation ID: 1721899). In summary, the available evidence is currently insufficient to determine the role of this variant in disease. Therefore, it has been classified as a Variant of Uncertain Significance. Advanced modeling of protein sequence and biophysical properties (such as structural, functional, and spatial information, amino acid conservation, physicochemical variation, residue mobility, and thermodynamic stability) has been performed at Invitae for this missense variant, however the output from this modeling did not meet the statistical confidence thresholds required to predict the impact of this variant on KIF5A protein function. This variant has not been reported in the literature in individuals affected with KIF5A-related conditions. This variant is not present in population databases (gnomAD no frequency). This sequence change replaces proline, which is neutral and non-polar, with leucine, which is neutral and non-polar, at codon 924 of the KIF5A protein (p.Pro924Leu).

NM_004984.4(KIF5A):c.2771C>T (p.Pro924Leu)

Gene: KIF5A (kinesin family member 5A; plus strand). Cytogenetic location: 12q13.3.
Variant type: single nucleotide variant.
Coding change: c.2771C>T on transcript NM_004984.4 (MANE Select); coding-DNA position 2771, C replaced by T.
Protein change: p.Pro924Leu; replaces proline 924 with leucine.
Molecular consequence: missense variant.
Genome position (GRCh38, 1-based): chr12:57,581,430, C>T. VCF-style: chr12-57581430-C-T. GRCh37 (hg19) VCF-style: chr12-57975213-C-T.
Other names: c.2504C>T, p.Pro835Leu (NM_001354705.2); short protein forms P835L, P924L.
Identifiers: ClinVar variation 1721899 (VCV001721899.5), dbSNP rs2540515430, ClinGen allele CA385515588.